The following is an entry in ClinVar:

ClinVar aggregate classification (germline): Uncertain significance (1 of 4 stars; one submission).

Conditions:
T-cell immunodeficiency, congenital alopecia, and nail dystrophy. Also called: Congenital alopecia and nail dystrophy associated with severe functional T-cell immunodeficiency; Pignata Guarino syndrome. Identifiers: Orphanet 169095, MedGen C1866426, MONDO:0011132, OMIM 601705.

Allele frequency attached by ClinVar (database versions not stated): gnomAD exomes below 0.00001; gnomAD 0.00001; TOPMed 0.00001; ESP Exome Variant Server 0.00008.

Submission:

Labcorp Genetics (formerly Invitae), Labcorp
Classification: Uncertain significance for T-cell immunodeficiency, congenital alopecia, and nail dystrophy. Last evaluated: 2024-11-26. Review status: criteria provided, single submitter. Criteria: Invitae Variant Classification Sherloc (09022015). Collection method: clinical testing. Allele origin: germline.
Comment: This sequence change replaces isoleucine, which is neutral and non-polar, with threonine, which is neutral and polar, at codon 297 of the FOXN1 protein (p.Ile297Thr). This variant is present in population databases (rs140230257, gnomAD 0.007%). This variant has not been reported in the literature in individuals affected with FOXN1-related conditions. ClinVar contains an entry for this variant (Variation ID: 954327). Invitae Evidence Modeling of protein sequence and biophysical properties (such as structural, functional, and spatial information, amino acid conservation, physicochemical variation, residue mobility, and thermodynamic stability) indicates that this missense variant is not expected to disrupt FOXN1 protein function with a negative predictive value of 80%. In summary, the available evidence is currently insufficient to determine the role of this variant in disease. Therefore, it has been classified as a Variant of Uncertain Significance.

NM_001369369.1(FOXN1):c.890T>C (p.Ile297Thr)

Gene: FOXN1 (forkhead box N1; plus strand). Cytogenetic location: 17q11.2.
Variant type: single nucleotide variant.
Coding change: c.890T>C on transcript NM_001369369.1 (MANE Select); coding-DNA position 890, T replaced by C.
Protein change: p.Ile297Thr; replaces isoleucine 297 with threonine.
Molecular consequence: missense variant.
Genome position (GRCh38, 1-based): chr17:28,530,808, T>C. VCF-style: chr17-28530808-T-C. GRCh37 (hg19) VCF-style: chr17-26857826-T-C.
Other names: c.890T>C, p.Ile297Thr (NM_003593.3); short protein forms I297T.
Identifiers: ClinVar variation 954327 (VCV000954327.7), dbSNP rs140230257, ClinGen allele CA289118659.